The following is an entry in ClinVar:

NM_002691.4(POLD1):c.2771A>C (p.Tyr924Ser)

Gene: POLD1 (DNA polymerase delta 1, catalytic subunit; plus strand). Cytogenetic location: 19q13.33.
Variant type: single nucleotide variant.
Coding change: c.2771A>C on transcript NM_002691.4 (MANE Select); coding-DNA position 2771, A replaced by C.
Protein change: p.Tyr924Ser; replaces tyrosine 924 with serine.
Molecular consequence: missense variant.
Genome position (GRCh38, 1-based): chr19:50,415,777, A>C. VCF-style: chr19-50415777-A-C. GRCh37 (hg19) VCF-style: chr19-50919034-A-C.
Other names: c.2771A>C, p.Tyr924Ser (NM_001256849.1); c.2849A>C, p.Tyr950Ser (NM_001308632.1); short protein forms Y924S, Y950S.
Identifiers: ClinVar variation 1718688 (VCV001718688.5), dbSNP rs2514058283, ClinGen allele CA406985975.

ClinVar aggregate classification (germline): Uncertain significance (1 of 4 stars; one submission).

Conditions:
POLD1-related polyposis and colorectal cancer syndrome (CRCS10). Also called: COLORECTAL CANCER, SUSCEPTIBILITY TO, ON CHROMOSOME 19q; Colorectal cancer 10; Colorectal cancer, susceptibility to, 10. Identifiers: Orphanet 220460, MedGen C2675481, MONDO:0012953, OMIM 612591.

Submission:

Labcorp Genetics (formerly Invitae), Labcorp
Classification: Uncertain significance for POLD1-related polyposis and colorectal cancer syndrome. Last evaluated: 2022-09-02. Review status: criteria provided, single submitter. Criteria: Invitae Variant Classification Sherloc (09022015). Collection method: clinical testing. Allele origin: germline.
Comment: In summary, the available evidence is currently insufficient to determine the role of this variant in disease. Therefore, it has been classified as a Variant of Uncertain Significance. Algorithms developed to predict the effect of missense changes on protein structure and function are either unavailable or do not agree on the potential impact of this missense change (SIFT: "Deleterious"; PolyPhen-2: "Probably Damaging"; Align-GVGD: "Class C0"). This variant has not been reported in the literature in individuals affected with POLD1-related conditions. This variant is not present in population databases (gnomAD no frequency). This sequence change replaces tyrosine, which is neutral and polar, with serine, which is neutral and polar, at codon 924 of the POLD1 protein (p.Tyr924Ser).